The following is an entry in ClinVar:

ClinVar aggregate classification (germline): Uncertain significance (1 of 4 stars; one submission).

Conditions:
DICER1-related tumor predisposition. Also called: DICER1-related pleuropulmonary blastoma cancer predisposition syndrome; DICER1 syndrome. Identifiers: Orphanet 284343, MedGen C3839822, MONDO:0100216.

Submission:

Labcorp Genetics (formerly Invitae), Labcorp
Classification: Uncertain significance for DICER1-related tumor predisposition. Last evaluated: 2019-06-04. Review status: criteria provided, single submitter. Criteria: Invitae Variant Classification Sherloc (09022015). Collection method: clinical testing. Allele origin: germline.
Comment: In summary, the available evidence is currently insufficient to determine the role of this variant in disease. Therefore, it has been classified as a Variant of Uncertain Significance. Algorithms developed to predict the effect of sequence changes on RNA splicing suggest that this variant may create or strengthen a splice site, but this prediction has not been confirmed by published transcriptional studies. This variant has not been reported in the literature in individuals with DICER1-related conditions. This variant is not present in population databases (ExAC no frequency). This sequence change falls in intron 15 of the DICER1 gene. It does not directly change the encoded amino acid sequence of the DICER1 protein.

NM_177438.3(DICER1):c.2437-7_2437-5delinsGG

Gene: DICER1 (dicer 1, ribonuclease III; minus strand). Cytogenetic location: 14q32.13.
Variant type: Indel.
Coding change: c.2437-7_2437-5delinsGG on transcript NM_177438.3 (MANE Select); 7 bases into the intron before coding-DNA position 2437 through 5 bases into the intron before coding-DNA position 2437, TGC replaced by GG.
Molecular consequence: intron variant.
Genome position (GRCh38, 1-based): chr14:95,108,098-95,108,100, GCA replaced by CC on the plus strand (TGC replaced by GG on the coding strand, the reverse complement: DICER1 is on the minus strand). VCF-style: chr14-95108098-GCA-CC. GRCh37 (hg19) VCF-style: chr14-95574435-GCA-CC.
Other names: c.2437-7_2437-5delinsGG (NM_001291628.2, NM_030621.4, NM_001271282.3 and 1 more transcripts).
Identifiers: ClinVar variation 965421 (VCV000965421.7), dbSNP rs1891617236, ClinGen allele CA1139663659.